The following is an entry in ClinVar:

ClinVar aggregate classification (germline): Benign. Review status: criteria provided, multiple submitters, no conflicts (2 of 4 stars). 7 submissions from 7 submitters: Benign (5). 2 of the submissions do not count toward it. Last evaluated 2021-08-19.

Conditions:
Intellectual developmental disorder, X-linked 21. Also called: Mental retardation, X-linked 21/34; MENTAL RETARDATION, X-LINKED 34; Intellectual disability, X-linked 21. Identifiers: Orphanet 777, MedGen C5551510, MONDO:0010256, OMIM 300143.

Allele frequency attached by ClinVar (database versions not stated): ESP Exome Variant Server 0.63791; gnomAD 0.61514; ExAC 0.60129; gnomAD exomes 0.58470; TOPMed 0.65959; 1000 Genomes Project 30x 0.73424; 1000 Genomes Project 0.73510.

Submissions (8):

Genome-Nilou Lab
Classification: Benign for Intellectual developmental disorder, X-linked 21. Last evaluated: 2021-08-19. Review status: criteria provided, single submitter. Criteria: ACMG Guidelines, 2015. Collection method: clinical testing. Allele origin: germline. Affected: no.

GeneDx
Classification: Benign. Last evaluated: 2018-07-03. Review status: criteria provided, single submitter. Criteria: GeneDx Variant Classification Process June 2021. Collection method: clinical testing. Allele origin: germline. Affected: yes.

Illumina Laboratory Services, Illumina
Classification: Benign for Intellectual developmental disorder, X-linked 21. Last evaluated: 2018-01-12. Review status: criteria provided, single submitter. Criteria: ICSL Variant Classification Criteria 13 December 2019. Collection method: clinical testing. Allele origin: germline.
Comment: This variant was observed in the ICSL laboratory as part of a predisposition screen in an ostensibly healthy population. It had not been previously curated by ICSL or reported in the Human Gene Mutation Database (HGMD: prior to June 1st, 2018), and was therefore a candidate for classification through an automated scoring system. Utilizing variant allele frequency, disease prevalence and penetrance estimates, and inheritance mode, an automated score was calculated to assess if this variant is too frequent to cause the disease. Based on the score and internal cut-off values, a variant classified as benign is not then subjected to further curation. The score for this variant resulted in a classification of benign for this disease.

Eurofins Ntd Llc (ga)
Classification: Benign. Last evaluated: 2016-08-11. Review status: criteria provided, single submitter. Criteria: EGL Classification Definitions 2015. Collection method: clinical testing. Allele origin: germline. Observed: 3 variant alleles, 1 heterozygote, 1 homozygote, 1 hemizygote.

Breakthrough Genomics
Classification: Benign. Review status: criteria provided, single submitter. Criteria: ACMG Guidelines, 2015. Collection method: not provided. Allele origin: germline. Inheritance: X-linked inheritance. Affected: yes.

Diagnostic Laboratory, Department of Genetics, University Medical Center Groningen
Classification: Benign. Review status: no assertion criteria provided. Collection method: clinical testing. Allele origin: germline. Affected: yes. Study: VKGL Data-share Consensus. Not counted in ClinVar's aggregate classification.

Dr. Peter K. Rogan Lab, Western University
No classification provided (evidence only). Condition: Familial cancer of breast. Review status: no classification provided. Collection method: in vitro. Allele origin: not applicable. Functional consequence: retained intron. Not counted in ClinVar's aggregate classification.

Joint Genome Diagnostic Labs from Nijmegen and Maastricht, Radboudumc and MUMC+
Classification: Likely benign. Review status: no assertion criteria provided. Collection method: clinical testing. Allele origin: germline. Affected: yes. Study: VKGL Data-share Consensus. Not counted in ClinVar's aggregate classification.

NM_014271.4(IL1RAPL1):c.-19G>A

Gene: IL1RAPL1 (interleukin 1 receptor accessory protein like 1; plus strand). Cytogenetic location: Xp21.3.
Variant type: single nucleotide variant.
Coding change: c.-19G>A on transcript NM_014271.4 (MANE Select); 19 bases upstream of the start codon, G replaced by A.
Molecular consequence: 5 prime UTR variant.
Genome position (GRCh38, 1-based): chrX:28,789,325, G>A. VCF-style: chrX-28789325-G-A. GRCh37 (hg19) VCF-style: chrX-28807442-G-A.
Other names: NC_000023.10:g.28807442G>A.
Identifiers: ClinVar variation 281021 (VCV000281021.21), dbSNP rs6526806, ClinGen allele CA10375348.